The following is an entry in ClinVar:

ClinVar aggregate classification (germline): Likely benign. Review status: criteria provided, multiple submitters, no conflicts (2 of 4 stars). 2 submissions from 2 submitters: Likely benign (2). Last evaluated 2025-10-01.

Conditions:
SRD5A3-congenital disorder of glycosylation. Also called: SRD5A3-CDG; Congenital disorder of glycosylation type 1Q; CDG Iq; COLOBOMA, OCULAR, WITH ICHTHYOSIS, BRAIN MALFORMATIONS, AND ENDOCRINE ABNORMALITIES; Ocular colobomas, ichthyosis, brain malformations and endocrine abnormalities. Identifiers: Orphanet 324737, MedGen C4317224, MONDO:0012885, OMIM 612379.

Allele frequency attached by ClinVar (database versions not stated): ExAC 0.00002; gnomAD exomes 0.00002 and 0.00005; gnomAD 0.00013 and 0.00015; TOPMed 0.00018; ESP Exome Variant Server 0.00023.
gnomAD v4.1: 59 of 1,613,936 alleles (0.0037%); highest among the groups gnomAD compares: African/African-American, 0.059%; no homozygotes.

Submissions (2):

Labcorp Genetics (formerly Invitae), Labcorp
Classification: Likely benign for SRD5A3-congenital disorder of glycosylation. Last evaluated: 2025-10-01. Review status: criteria provided, single submitter. Criteria: Invitae Variant Classification Sherloc (09022015). Collection method: clinical testing. Allele origin: germline.

GeneDx
Classification: Likely benign. Last evaluated: 2016-02-23. Review status: criteria provided, single submitter. Criteria: GeneDx Variant Classification (06012015). Collection method: clinical testing. Allele origin: germline. Affected: yes.
Comment: This variant is considered likely benign or benign based on one or more of the following criteria: it is a conservative change, it occurs at a poorly conserved position in the protein, it is predicted to be benign by multiple in silico algorithms, and/or has population frequency not consistent with disease.

NM_024592.5(SRD5A3):c.365-15C>T

Gene: SRD5A3 (steroid 5 alpha-reductase 3; plus strand). Cytogenetic location: 4q12.
Variant type: single nucleotide variant.
Coding change: c.365-15C>T on transcript NM_024592.5 (MANE Select); 15 bases into the intron before coding-DNA position 365, C replaced by T.
Molecular consequence: intron variant.
Genome position (GRCh38, 1-based): chr4:55,364,059, C>T. VCF-style: chr4-55364059-C-T. GRCh37 (hg19) VCF-style: chr4-56230226-C-T.
Identifiers: ClinVar variation 382440 (VCV000382440.5), dbSNP rs369112025, ClinGen allele CA2925286.